The following is an entry in ClinVar:

NM_000152.5(GAA):c.1626C>G (p.Pro542=)

Gene: GAA (alpha glucosidase; plus strand). Cytogenetic location: 17q25.3.
Variant type: single nucleotide variant.
Coding change: c.1626C>G on transcript NM_000152.5 (MANE Select); coding-DNA position 1626, C replaced by G.
Protein change: p.Pro542=; no amino-acid change (proline 542 retained).
Molecular consequence: synonymous variant.
Genome position (GRCh38, 1-based): chr17:80,111,015, C>G. VCF-style: chr17-80111015-C-G. GRCh37 (hg19) VCF-style: chr17-78084814-C-G.
Other names: NM_000152.5(GAA):c.1626C>G; c.1626C>G (LRG_673t1); c.1626C>G, p.Pro542= (NM_001079803.3, NM_001079804.3).
Identifiers: ClinVar variation 430167 (VCV000430167.22), dbSNP rs947585663, ClinGen allele CA294895065.

ClinVar aggregate classification (germline): Uncertain significance. Review status: reviewed by expert panel (3 of 4 stars). 7 submissions from 7 submitters: Uncertain significance (1). 6 of the submissions do not count toward it. Last evaluated 2025-06-26.

Conditions:
Glycogen storage disease, type II (IOPD). Also called: Glycogen storage disease type 2; Acid maltase deficiency disease; Aglucosidase alfa; Deficiency of alpha-glucosidase; Deficiency of lysosomal alpha-glucosidase; GLYCOGENOSIS, GENERALIZED, CARDIAC FORM. Identifiers: Orphanet 365, MedGen C0017921, MONDO:0009290, OMIM 232300.

Allele frequency attached by ClinVar (database versions not stated): gnomAD exomes below 0.00001 and 0.00001; TOPMed below 0.00001.
gnomAD v4.1: 3 of 1,613,846 alleles (0.00019%); highest among the groups gnomAD compares: Non-Finnish European, 0.00025%; no homozygotes.

Submissions (7):

ClinGen Lysosomal Storage Disorder Variant Curation Expert Panel
Classification: Uncertain significance for Glycogen storage disease, type II. Last evaluated: 2025-06-26. Review status: reviewed by expert panel. Criteria: clingen_lsd_acmg_specifications_v2-1. Collection method: curation. Allele origin: germline. Inheritance: Autosomal recessive inheritance.
Comment: The NM_000152.5:c.1626C>G variant is a synonymous (silent) variant in exon 11 of GAA (p.Pro542=). A minigene assay demonstrated that the variant impacts splicing by creating a de novo donor site in exon 11 as well as activating a cryptic acceptor site in exon 12. This results in the deletion of 11 nucleotides from exon 11 and 46 nucleotides from exon 12. A low level of normal transcript was also detected (PMID 21179066). PVS1_moderate was applied because the resulting deletion is predicted to be in frame (57 nucleotides, 29 amino acids deleted; none of which have been designated by the Lysosomal Diseases VCEP as critical residues). The highest population minor allele frequency in gnomAD v4.1.0. is 0.00000254 (3/1179982 alleles) in the European non-Finnish population, which is lower than the ClinGen Lysosomal Diseases VCEP’s threshold for PM2_Supporting (<0.001), meeting this criterion (PM2_Supporting). The variant was found homozygous in one patient with late-onset Pompe disease (PM3_supporting); there was insufficient evidence to apply PP4 (PMID 16917947). There is a ClinVar entry for this variant (Variation ID: 430167). In summary, this variant currently meets the criteria to be classified as a variant of uncertain significance for Pompe disease based on the GAA-specific ACMG/AMP criteria applied, as specified by the ClinGen Lysosomal Diseases Variant Curation Expert Panel (Specifications Version 2.0.0): PVS1_Moderate, PM2_Supporting, PM3_Supporting. (Classification approved by the ClinGen Lysosomal Diseases Variant Curation Expert Panel on June 26, 2025).

Genomenon, Inc
Classification: Uncertain significance for Glycogen storage disease, type II. Last evaluated: 2026-07-01. Review status: criteria provided, single submitter. Criteria: Genomenon Sequence Variant Interpretation Standards - Updated. Collection method: curation. Allele origin: germline. Not counted in ClinVar's aggregate classification.
Comment: GAA c.1626C>G is a synonymous variant that retains Proline at codon 542. This variant has been reported in the compound heterozygous and/or homozygous state in an individual without a confirmed diagnosis of Pompe disease (PMID:16917947). At least one splicing study has demonstrated that this variant results in aberrant splicing (PMID:21179066). It is absent or not present at a significant frequency in gnomAD. In conclusion, we classify GAA c.1626C>G (p.Pro542=) as a variant of uncertain significance.

Myriad Genetics, Inc.
Classification: Uncertain significance for Glycogen storage disease, type II. Last evaluated: 2026-05-05. Review status: criteria provided, single submitter. Criteria: Myriad Autosomal Dominant, Autosomal Recessive and X-Linked Classification Criteria (2023). Collection method: clinical testing. Allele origin: unknown. Not counted in ClinVar's aggregate classification.
Comment: NM_000152.3(GAA):c.1626C>G is a silent variant classified as a variant of uncertain significance in the context of Pompe disease. c.1626C>G has been observed in a case with relevant disease (PMID: 16917947). Relevant functional assessments of this variant are not available in the literature. c.1626C>G has been observed in referenced population frequency databases. In summary, there is insufficient evidence to classify NM_000152.3(GAA):c.1626C>G as pathogenic or benign. Please note: this variant was assessed in the context of healthy population screening.

Labcorp Genetics (formerly Invitae), Labcorp
Classification: Pathogenic for Glycogen storage disease, type II. Last evaluated: 2024-12-12. Review status: criteria provided, single submitter. Criteria: Invitae Variant Classification Sherloc (09022015). Collection method: clinical testing. Allele origin: germline. Not counted in ClinVar's aggregate classification.
Comment: This sequence change affects codon 542 of the GAA mRNA. It is a 'silent' change, meaning that it does not change the encoded amino acid sequence of the GAA protein. RNA analysis indicates that this variant induces altered splicing and likely results in the loss of 19 amino acid residue(s), but is expected to preserve the integrity of the reading-frame. This variant is present in population databases (no rsID available, gnomAD 0.002%). This variant has been observed in individual(s) with Pompe disease (PMID: 16917947). ClinVar contains an entry for this variant (Variation ID: 430167). Studies have shown that this variant results in the activation of a cryptic splice site in exon 12 (PMID: 21179066). This variant disrupts a region of the GAA protein in which other variant(s) (p.Ile557Phe) have been determined to be pathogenic (PMID: 23884227). This suggests that this is a clinically significant region of the protein, and that variants that disrupt it are likely to be disease-causing. For these reasons, this variant has been classified as Pathogenic.

Genome-Nilou Lab
Classification: Uncertain significance for Glycogen storage disease, type II. Last evaluated: 2021-07-22. Review status: criteria provided, single submitter. Criteria: ACMG Guidelines, 2015. Collection method: clinical testing. Allele origin: germline. Affected: no. Not counted in ClinVar's aggregate classification.

Broad Center for Mendelian Genomics, Broad Institute of MIT and Harvard
Classification: Uncertain significance for Glycogen storage disease, type II. Last evaluated: 2020-01-29. Review status: criteria provided, single submitter. Criteria: ACMG Guidelines, 2015. Collection method: curation. Allele origin: germline. Inheritance: Autosomal recessive inheritance. Not counted in ClinVar's aggregate classification.
Comment: This variant has been identified in 0.002% (2/113310) of European (non-Finnish) chromosomes by the Genome Aggregation Database (gnomAD; dbSNP rs947585663). Although this variant has been seen in the general population, its frequency is low enough to be consistent with a recessive carrier frequency. Computational prediction tools suggest that this variant may impact the protein, though this information is not predictive enough to determine pathogenicity. In vitro functional studies with minigene constructs provide some evidence that the c.1626C>G variant may cause abnormal splicing, though there was also evidence of some normally spliced mRNA (PMID: 21179066). The abnormal splicing caused by this variant removes 11 nucleotides from exon 11 and 46 nucleotides from exon 12 due to activation of cryptic splice sites but does not alter the protein reading-frame. It is unclear if this deletion will impact the protein. However, these types of assays may not accurately represent biological function. In summary, while there is some suspicion for a pathogenic role, the clinical significance of this variant is uncertain. ACMG/AMP Criteria applied: PM2, PS3_Supporting, PP3 (Richards 2015).

GeneDx
Classification: Likely pathogenic. Last evaluated: 2016-06-28. Review status: criteria provided, single submitter. Criteria: GeneDx Variant Classification (06012015). Collection method: clinical testing. Allele origin: germline. Affected: yes. Not counted in ClinVar's aggregate classification.
Comment: The c.1626 C>G variant has previously been reported in association with adult-onset Pompe disease in an individual who was apparently homozygous for c.1626 C>G (Montalvo et al., 2006). Functional analysis of c.1626 C>G found that it results in the creation of a new splice donor site as well as activating a cryptic splice site leading to abnormal gene splicing, although low amounts of a transcript similar in size to normal spliced GAA was also detected by this analysis (Zampieri et al., 2011). Therefore we interpret c.1626 C>G to be a likely pathogenic variant; however, the possibility that it is benign cannot be excluded.

Literature cited by the submitters: PubMed 16917947 (cited by 3 submitters); PubMed 21179066 (cited by 3 submitters); PubMed 23884227 (cited by Labcorp Genetics (formerly Invitae), Labcorp).